The following is an entry in ClinVar:

NC_000002.11:g.(?_86254546)_(86274406_?)del

Gene: POLR1A (RNA polymerase I subunit A; minus strand). Cytogenetic location: 2p11.2.
Variant type: Deletion.
Identifiers: ClinVar variation 1474030 (VCV001474030.7).

ClinVar aggregate classification (germline): Uncertain significance (1 of 4 stars; one submission).

Submission:

Labcorp Genetics (formerly Invitae), Labcorp
Classification: Uncertain significance. Last evaluated: 2022-07-19. Review status: criteria provided, single submitter. Criteria: Invitae Variant Classification Sherloc (09022015). Collection method: clinical testing. Allele origin: germline.
Comment: In summary, the available evidence is currently insufficient to determine the role of this variant in disease. Therefore, it has been classified as a Variant of Uncertain Significance. Experimental studies and prediction algorithms are not available or were not evaluated, and the functional significance of this variant is currently unknown. This variant has not been reported in the literature in individuals affected with POLR1A-related conditions. This variant is a gross deletion of the genomic region encompassing exon(s) 19-34 of the POLR1A gene, which includes the termination codon. This deletion extends beyond the assayed region for this gene and therefore may encompass additional genes. While this deletion is not anticipated to lead to nonsense mediated decay, it is expected to alter mRNA translation or result in a truncated protein product.